The following is an entry in ClinVar:

ClinVar aggregate classification (germline): Uncertain significance (1 of 4 stars; one submission).

Conditions:
Cardiovascular phenotype. Identifiers: MedGen CN230736.

gnomAD v4.1: 3 of 1,613,718 alleles (0.00019%); highest among the groups gnomAD compares: African/African-American, 0.004%; no homozygotes.

Submission:

Ambry Genetics
Classification: Uncertain significance for Cardiovascular phenotype. Last evaluated: 2025-08-28. Review status: criteria provided, single submitter. Criteria: Ambry Variant Classification Scheme 2023. Collection method: clinical testing. Allele origin: germline.
Comment: The p.I332V variant (also known as c.994A>G), located in coding exon 8 of the LAMA4 gene, results from an A to G substitution at nucleotide position 994. The isoleucine at codon 332 is replaced by valine, an amino acid with highly similar properties. This amino acid position is conserved. In addition, this alteration is predicted to be tolerated by in silico analysis. Based on the available evidence, the clinical significance of this variant remains unclear.

NM_001105206.3(LAMA4):c.1015A>G (p.Ile339Val)

Gene: LAMA4 (laminin subunit alpha 4; minus strand). Cytogenetic location: 6q21.
Variant type: single nucleotide variant.
Coding change: c.1015A>G on transcript NM_001105206.3 (MANE Select); coding-DNA position 1015, A replaced by G.
Protein change: p.Ile339Val; replaces isoleucine 339 with valine.
Molecular consequence: missense variant.
Genome position (GRCh38, 1-based): chr6:112,185,299, T>C on the plus strand (A>G on the coding strand, the complement: LAMA4 is on the minus strand). VCF-style: chr6-112185299-T-C. GRCh37 (hg19) VCF-style: chr6-112506501-T-C.
Other names: c.994A>G, p.Ile332Val (NM_001105207.3, NM_002290.5); short protein forms I332V, I339V.
Identifiers: ClinVar variation 4096220 (VCV004096220.1).
Genomic context (GRCh38, chr6:112,185,299, plus strand): 5'-TTTCAACTAATTCCTCTACGTCAGACAGAAGGCTTTTCATCGTGTTCTCAGCATTGTTGA[T>C]TTGTATCTTTCTTAGGGCGTATTGGTTTTCTCTTTCTGACAATTTTGTCTGCAGAAGAAT-3'
Protein context (NP_001098676.2, residues 329-349): ENQYALRKIQ[Ile339Val]NNAENTMKSL